The following is an entry in ClinVar:

ClinVar aggregate classification (germline): Uncertain significance (1 of 4 stars; one submission).

Submission:

GeneDx
Classification: Uncertain significance. Last evaluated: 2021-12-17. Review status: criteria provided, single submitter. Criteria: GeneDx Variant Classification Process June 2021. Collection method: clinical testing. Allele origin: germline. Affected: yes.
Comment: Not observed at significant frequency in large population cohorts (gnomAD); In silico analysis supports that this missense variant has a deleterious effect on protein structure/function; Has not been previously published as pathogenic or benign to our knowledge

NM_002168.4(IDH2):c.715G>A (p.Ala239Thr)

Gene: IDH2 (isocitrate dehydrogenase (NADP(+)) 2; minus strand). Cytogenetic location: 15q26.1.
Variant type: single nucleotide variant.
Coding change: c.715G>A on transcript NM_002168.4 (MANE Select); coding-DNA position 715, G replaced by A.
Protein change: p.Ala239Thr; replaces alanine 239 with threonine.
Molecular consequence: missense variant.
Genome position (GRCh38, 1-based): chr15:90,087,539, C>T on the plus strand (G>A on the coding strand, the complement: IDH2 is on the minus strand). VCF-style: chr15-90087539-C-T. GRCh37 (hg19) VCF-style: chr15-90630771-C-T.
Other names: c.559G>A, p.Ala187Thr (NM_001289910.1); c.325G>A, p.Ala109Thr (NM_001290114.2); short protein forms A109T, A187T, A239T.
Identifiers: ClinVar variation 1691755 (VCV001691755.2), dbSNP rs1596073614, ClinGen allele CA393801770.